The following is an entry in ClinVar:

NM_013447.4(ADGRE2):c.998T>C (p.Leu333Pro)

Gene: ADGRE2 (adhesion G protein-coupled receptor E2; minus strand). Cytogenetic location: 19p13.12.
Variant type: single nucleotide variant.
Coding change: c.998T>C on transcript NM_013447.4 (MANE Select); coding-DNA position 998, T replaced by C.
Protein change: p.Leu333Pro; replaces leucine 333 with proline.
Molecular consequence: missense variant.
Genome position (GRCh38, 1-based): chr19:14,764,519, A>G on the plus strand (T>C on the coding strand, the complement: ADGRE2 is on the minus strand). VCF-style: chr19-14764519-A-G. GRCh37 (hg19) VCF-style: chr19-14875331-A-G.
Other names: c.998T>C, p.Leu333Pro (NM_001271052.1); c.851T>C, p.Leu284Pro (NM_152916.2); c.719T>C, p.Leu240Pro (NM_152917.2); short protein forms L284P, L240P, L333P.
Identifiers: ClinVar variation 2002145 (VCV002002145.4), dbSNP rs753310801, ClinGen allele CA9257830.

ClinVar aggregate classification (germline): Uncertain significance (1 of 4 stars; one submission).

Allele frequency attached by ClinVar (database versions not stated): gnomAD exomes 0.00001; ExAC 0.00002.
gnomAD v4.1: 3 of 1,613,102 alleles (0.00019%); highest among the groups gnomAD compares: Non-Finnish European, 0.00025%; no homozygotes.

Submission:

Labcorp Genetics (formerly Invitae), Labcorp
Classification: Uncertain significance. Last evaluated: 2022-05-29. Review status: criteria provided, single submitter. Criteria: Invitae Variant Classification Sherloc (09022015). Collection method: clinical testing. Allele origin: germline.
Comment: This sequence change replaces leucine, which is neutral and non-polar, with proline, which is neutral and non-polar, at codon 333 of the ADGRE2 protein (p.Leu333Pro). This variant is present in population databases (rs753310801, gnomAD 0.003%). This variant has not been reported in the literature in individuals affected with ADGRE2-related conditions. Algorithms developed to predict the effect of missense changes on protein structure and function are either unavailable or do not agree on the potential impact of this missense change (SIFT: "Deleterious"; PolyPhen-2: "Probably Damaging"; Align-GVGD: "Class C0"). In summary, the available evidence is currently insufficient to determine the role of this variant in disease. Therefore, it has been classified as a Variant of Uncertain Significance.